The following is an entry in ClinVar:

ClinVar aggregate classification (germline): Uncertain significance. Review status: criteria provided, multiple submitters, no conflicts (2 of 4 stars). 4 submissions from 4 submitters: Uncertain significance (4). Last evaluated 2025-12-04.

Conditions:
Familial isolated deficiency of vitamin E (AVED). Also called: ATAXIA, FRIEDREICH-LIKE, WITH SELECTIVE VITAMIN E DEFICIENCY; Ataxia with isolated vitamin E deficiency. Identifiers: Orphanet 96, MedGen C1848533, MONDO:0010188, OMIM 277460.
Inborn genetic diseases. Identifiers: MedGen C0950123, MeSH D030342.

Allele frequency attached by ClinVar (database versions not stated): ExAC 0.00002; gnomAD exomes 0.00002 and 0.00004; TOPMed 0.00002; gnomAD 0.00003 and 0.00004.
gnomAD v4.1: 62 of 1,613,954 alleles (0.0038%); highest among the groups gnomAD compares: Non-Finnish European, 0.0052%; no homozygotes.

Submissions (4):

Mayo Clinic Laboratories, Mayo Clinic
Classification: Uncertain significance. Last evaluated: 2025-12-04. Review status: criteria provided, single submitter. Criteria: ACMG Guidelines, 2015. Collection method: clinical testing. Allele origin: germline. Observed: 1 variant allele.
Comment: PP3_moderate, PM2_supporting

Ambry Genetics
Classification: Uncertain significance for Inborn genetic diseases. Last evaluated: 2025-08-31. Review status: criteria provided, single submitter. Criteria: Ambry Variant Classification Scheme 2023. Collection method: clinical testing. Allele origin: germline.

Labcorp Genetics (formerly Invitae), Labcorp
Classification: Uncertain significance. Last evaluated: 2022-03-19. Review status: criteria provided, single submitter. Criteria: Invitae Variant Classification Sherloc (09022015). Collection method: clinical testing. Allele origin: germline.
Comment: This sequence change replaces arginine, which is basic and polar, with glycine, which is neutral and non-polar, at codon 118 of the TTPA protein (p.Arg118Gly). This variant is present in population databases (rs751549880, gnomAD 0.003%). This variant has not been reported in the literature in individuals affected with TTPA-related conditions. ClinVar contains an entry for this variant (Variation ID: 911010). Algorithms developed to predict the effect of missense changes on protein structure and function are either unavailable or do not agree on the potential impact of this missense change (SIFT: "Deleterious"; PolyPhen-2: "Probably Damaging"; Align-GVGD: "Class C0"). In summary, the available evidence is currently insufficient to determine the role of this variant in disease. Therefore, it has been classified as a Variant of Uncertain Significance.

Illumina Laboratory Services, Illumina
Classification: Uncertain significance for Familial isolated deficiency of vitamin E. Last evaluated: 2017-04-27. Review status: criteria provided, single submitter. Criteria: ICSL Variant Classification Criteria 13 December 2019. Collection method: clinical testing. Allele origin: germline.

NM_000370.3(TTPA):c.352A>G (p.Arg118Gly)

Gene: TTPA (alpha tocopherol transfer protein; minus strand). Cytogenetic location: 8q12.3.
Variant type: single nucleotide variant.
Coding change: c.352A>G on transcript NM_000370.3 (MANE Select); coding-DNA position 352, A replaced by G.
Protein change: p.Arg118Gly; replaces arginine 118 with glycine.
Molecular consequence: missense variant.
Genome position (GRCh38, 1-based): chr8:63,072,941, T>C on the plus strand (A>G on the coding strand, the complement: TTPA is on the minus strand). VCF-style: chr8-63072941-T-C. GRCh37 (hg19) VCF-style: chr8-63985500-T-C.
Other names: p.Arg118Gly; short protein forms R118G.
Identifiers: ClinVar variation 911010 (VCV000911010.8), dbSNP rs751549880, ClinGen allele CA4763274.
Genomic context (GRCh38, chr8:63,072,941, plus strand): 5'-AACACAACTGAACTGGAGGAGAGGAGAAAAAAAAAAGAGTTGTGTATGACTTACCGATTC[T>C]GTAAATAAGAACTTTGCTGCCAGTGGGATCCCTGGATCTCAGGACTCCATGGTAGCCAGC-3'
Protein context (NP_000361.1, residues 108-128): DPTGSKVLIY[Arg118Gly]IAHWDPKVFT